The following is an entry in ClinVar:

ClinVar aggregate classification (germline): Uncertain significance (1 of 4 stars; one submission).

Conditions:
Tuberous sclerosis 2 (TSC2). Identifiers: Orphanet 805, MedGen C1860707, MONDO:0013199, OMIM 613254.

Allele frequency attached by ClinVar (database versions not stated): gnomAD exomes below 0.00001.

Submission:

Labcorp Genetics (formerly Invitae), Labcorp
Classification: Uncertain significance for Tuberous sclerosis 2. Last evaluated: 2021-10-12. Review status: criteria provided, single submitter. Criteria: Invitae Variant Classification Sherloc (09022015). Collection method: clinical testing. Allele origin: germline.
Comment: This sequence change falls in intron 28 of the TSC2 gene. It does not directly change the encoded amino acid sequence of the TSC2 protein. This variant is not present in population databases (ExAC no frequency). This variant has not been reported in the literature in individuals affected with TSC2-related conditions. Algorithms developed to predict the effect of sequence changes on RNA splicing suggest that this variant may disrupt the consensus splice site. In summary, the available evidence is currently insufficient to determine the role of this variant in disease. Therefore, it has been classified as a Variant of Uncertain Significance.

NM_000548.5(TSC2):c.3285-7T>G

Gene: TSC2 (TSC complex subunit 2; plus strand). Cytogenetic location: 16p13.3.
Variant type: single nucleotide variant.
Coding change: c.3285-7T>G on transcript NM_000548.5 (MANE Select); 7 bases into the intron before coding-DNA position 3285, T replaced by G.
Molecular consequence: intron variant.
Genome position (GRCh38, 1-based): chr16:2,079,550, T>G. VCF-style: chr16-2079550-T-G. GRCh37 (hg19) VCF-style: chr16-2129551-T-G.
Other names: c.3153-7T>G (NM_001370404.1, NM_001077183.3); c.3045-7T>G (NM_001318827.2); c.2553-7T>G (NM_001318831.2); c.3009-7T>G (NM_001318829.2); c.3186-7T>G (NM_001318832.2); c.3285-7T>G (NM_001114382.3); c.3156-7T>G (NM_021055.3, NM_001370405.1, NM_001363528.2).
Identifiers: ClinVar variation 1373077 (VCV001373077.6), dbSNP rs1260593322, ClinGen allele CA620377850.
Genomic context (GRCh38, chr16:2,079,550, plus strand): 5'-GCCCACGTGGCACCCTCGTACCAGCCTGGGGACTAAGTCCACCCTGTGCGTGGGATTCTC[T>G]TCTCAGCTCCAGCCCCGGGGTGCATGTGAGACAGACCAAGGAGGCGCCGGCCAAGCTGGA-3'